The following is an entry in ClinVar:

NM_012200.4(B3GAT3):c.302G>C (p.Ser101Thr)

Gene: B3GAT3 (beta-1,3-glucuronyltransferase 3; minus strand). Cytogenetic location: 11q12.3.
Variant type: single nucleotide variant.
Coding change: c.302G>C on transcript NM_012200.4 (MANE Select); coding-DNA position 302, G replaced by C.
Protein change: p.Ser101Thr; replaces serine 101 with threonine.
Molecular consequence: missense variant. On other transcripts: non-coding transcript variant (1).
Genome position (GRCh38, 1-based): chr11:62,617,303, C>G on the plus strand (G>C on the coding strand, the complement: B3GAT3 is on the minus strand). VCF-style: chr11-62617303-C-G. GRCh37 (hg19) VCF-style: chr11-62384775-C-G.
Other names: c.281G>C, p.Ser94Thr (NM_001288721.2); c.302G>C, p.Ser101Thr (NM_001288722.2, NM_001288723.2); short protein forms S101T, S94T.
Identifiers: ClinVar variation 1021259 (VCV001021259.10), dbSNP rs563591823, ClinGen allele CA6050141.
Genomic context (GRCh38, chr11:62,617,303, plus strand): 5'-ACCAGCGGGGTGGGACCCTCAGCATCCTCCACCAGCAGCCAATGCAGCCGGGGCACCAGG[C>G]TCAGTGTCTGGGACAGTCGTACCAGCTCTGCCTTCTGTACCAGCCTGCAGGGGAGAGATG-3'
Protein context (NP_036332.2, residues 91-111): AELVRLSQTL[Ser101Thr]LVPRLHWLLV

ClinVar aggregate classification (germline): Uncertain significance. Review status: criteria provided, multiple submitters, no conflicts (2 of 4 stars). 4 submissions from 4 submitters: Uncertain significance (4). Last evaluated 2024-08-07.

Conditions:
Inborn genetic diseases. Identifiers: MedGen C0950123, MeSH D030342.
Larsen-like syndrome, B3GAT3 type. Also called: MULTIPLE JOINT DISLOCATIONS, SHORT STATURE, AND CRANIOFACIAL DYSMORPHISM WITH OR WITHOUT CONGENITAL HEART DEFECTS; Multiple joint dislocations, short stature, craniofacial dysmorphism, with or without congenital heart defects. Identifiers: Orphanet 284139, MedGen CN034159, MONDO:0009511, OMIM 245600.

Allele frequency attached by ClinVar (database versions not stated): gnomAD exomes below 0.00001; ExAC 0.00001; TOPMed 0.00002.
gnomAD v4.1: 3 of 1,613,260 alleles (0.00019%); highest among the groups gnomAD compares: African/African-American, 0.0013%; no homozygotes.

Submissions (4):

Blueprint Genetics
Classification: Uncertain significance. Last evaluated: 2024-08-07. Review status: criteria provided, single submitter. Criteria: ACMG Guidelines, 2015. Collection method: clinical testing. Allele origin: germline.

Ambry Genetics
Classification: Uncertain significance for Inborn genetic diseases. Last evaluated: 2023-02-06. Review status: criteria provided, single submitter. Criteria: Ambry Variant Classification Scheme 2023. Collection method: clinical testing. Allele origin: germline.

Labcorp Genetics (formerly Invitae), Labcorp
Classification: Uncertain significance for Larsen-like syndrome, B3GAT3 type. Last evaluated: 2022-07-18. Review status: criteria provided, single submitter. Criteria: Invitae Variant Classification Sherloc (09022015). Collection method: clinical testing. Allele origin: germline.
Comment: This sequence change replaces serine, which is neutral and polar, with threonine, which is neutral and polar, at codon 101 of the B3GAT3 protein (p.Ser101Thr). This variant is present in population databases (rs563591823, gnomAD 0.007%). This variant has not been reported in the literature in individuals affected with B3GAT3-related conditions. ClinVar contains an entry for this variant (Variation ID: 1021259). Algorithms developed to predict the effect of missense changes on protein structure and function (SIFT, PolyPhen-2, Align-GVGD) all suggest that this variant is likely to be tolerated. In summary, the available evidence is currently insufficient to determine the role of this variant in disease. Therefore, it has been classified as a Variant of Uncertain Significance.

GeneDx
Classification: Uncertain significance. Last evaluated: 2022-04-20. Review status: criteria provided, single submitter. Criteria: GeneDx Variant Classification Process June 2021. Collection method: clinical testing. Allele origin: germline. Affected: yes.
Comment: Has not been previously published as pathogenic or benign to our knowledge; Not observed at significant frequency in large population cohorts (gnomAD); In silico analysis supports that this missense variant does not alter protein structure/function